The following is an entry in ClinVar:

ClinVar aggregate classification (germline): Conflicting classifications of pathogenicity. Review status: criteria provided, conflicting classifications (1 of 4 stars). 2 submissions from 2 submitters: Uncertain significance (1); Likely benign (1). Last evaluated 2023-03-23.

Conditions:
Hereditary cancer-predisposing syndrome. Also called: Neoplastic Syndromes, Hereditary; Tumor predisposition; Hereditary Cancer Syndrome; Hereditary neoplastic syndrome. Identifiers: Orphanet 140162, MedGen C0027672, MeSH D009386, MONDO:0015356.

Allele frequency attached by ClinVar (database versions not stated): gnomAD exomes below 0.00001.
gnomAD v4.1: 1 of 1,598,424 alleles (0.000063%); highest among the groups gnomAD compares: Non-Finnish European, 0.000085%; no homozygotes.

Submissions (2):

University of Washington Department of Laboratory Medicine, University of Washington
Classification: Likely benign for Hereditary cancer-predisposing syndrome. Last evaluated: 2023-03-23. Review status: criteria provided, single submitter. Criteria: Dines et al. (Genet Med. 2020). Collection method: curation. Allele origin: germline.
Comment: Missense variant in a coldspot region where missense variants are very unlikely to be pathogenic (PMID:31911673).

BRCA2 exon 11 coldspot. Reclassification based on statistical prior probability.

Ambry Genetics
Classification: Uncertain significance for Hereditary cancer-predisposing syndrome. Last evaluated: 2016-04-18. Review status: criteria provided, single submitter. Criteria: Ambry Variant Classification Scheme 2023. Collection method: clinical testing. Allele origin: germline.
Comment: The p.E1456G variant (also known as c.4367A>G), located in coding exon 10 of the BRCA2 gene, results from an A to G substitution at nucleotide position 4367. The glutamic acid at codon 1456 is replaced by glycine, an amino acid with similar properties. This variant was not reported in population based cohorts in the following databases: Database of Single Nucleotide Polymorphisms (dbSNP), NHLBI Exome Sequencing Project (ESP), and 1000 Genomes Project. In the ESP, this variant was not observed in 6488 samples (12976 alleles) with coverage at this position. To date, this alteration has been detected with an allele frequency of approximately 0.0004% (greater than 225000 alleles tested) in our clinical cohort. This amino acid position is not well conserved in available vertebrate species. In addition, this alteration is predicted to be tolerated by in silico analysis. Since supporting evidence is limited at this time, the clinical significance of this alteration remains unclear.

NM_000059.4(BRCA2):c.4367A>G (p.Glu1456Gly)

Gene: BRCA2 (BRCA2 DNA repair associated; plus strand). Cytogenetic location: 13q13.1.
Variant type: single nucleotide variant.
Coding change: c.4367A>G on transcript NM_000059.4 (MANE Select); coding-DNA position 4367, A replaced by G.
Protein change: p.Glu1456Gly; replaces glutamic acid 1456 with glycine.
Molecular consequence: missense variant.
Genome position (GRCh38, 1-based): chr13:32,338,722, A>G. VCF-style: chr13-32338722-A-G. GRCh37 (hg19) VCF-style: chr13-32912859-A-G.
Other names: short protein forms E1456G.
Identifiers: ClinVar variation 483020 (VCV000483020.7), dbSNP rs878853584, ClinGen allele CA387780990.
Genomic context (GRCh38, chr13:32,338,722, plus strand): 5'-TTAGTGTCGCCAAAGAGTCATTTAATAAAATTGTAAATTTCTTTGATCAGAAACCAGAAG[A>G]ATTGCATAACTTTTCCTTAAATTCTGAATTACATTCTGACATAAGAAAGAACAAAATGGA-3'
Protein context (NP_000050.3, residues 1446-1466): IVNFFDQKPE[Glu1456Gly]LHNFSLNSEL